The following is an entry in ClinVar:

ClinVar aggregate classification (germline): Uncertain significance (1 of 4 stars; one submission).

Submission:

Ambry Genetics
Classification: Uncertain significance. Last evaluated: 2024-07-27. Review status: criteria provided, single submitter. Criteria: Ambry Variant Classification Scheme 2023. Collection method: clinical testing. Allele origin: germline.
Comment: The p.S1517R variant (also known as c.4551T>G), located in coding exon 4 of the ALPK2 gene, results from a T to G substitution at nucleotide position 4551. The serine at codon 1517 is replaced by arginine, an amino acid with dissimilar properties. This amino acid position is conserved. In addition, this alteration is predicted to be tolerated by in silico analysis. Based on the available evidence, the clinical significance of this variant remains unclear.

NM_052947.4(ALPK2):c.4551T>G (p.Ser1517Arg)

Genes: ALPK2 (alpha kinase 2; minus strand), LOC126862764 (BRD4-independent group 4 enhancer GRCh37_chr18:56202574-56203773; plus strand). Cytogenetic location: 18q21.31.
Variant type: single nucleotide variant.
Coding change: c.4551T>G on transcript NM_052947.4 (MANE Select); coding-DNA position 4551, T replaced by G.
Protein change: p.Ser1517Arg; replaces serine 1517 with arginine.
Molecular consequence: missense variant.
Genome position (GRCh38, 1-based): chr18:58,535,636, A>C on the plus strand (T>G on the coding strand, the complement: ALPK2 is on the minus strand). VCF-style: chr18-58535636-A-C. GRCh37 (hg19) VCF-style: chr18-56202868-A-C.
Other names: short protein forms S1517R.
Identifiers: ClinVar variation 3530919 (VCV003530919.1).